The following is an entry in ClinVar:

ClinVar aggregate classification (germline): Pathogenic (1 of 4 stars; one submission).

Conditions:
Joubert syndrome. Also called: CEREBELLOPARENCHYMAL DISORDER IV; JOUBERT-BOLTSHAUSER SYNDROME; Familial aplasia of the vermis. Identifiers: Orphanet 475, MedGen C5979921, MONDO:0018772.
Meckel-Gruber syndrome. Also called: DYSENCEPHALIA SPLANCHNOCYSTICA; GRUBER SYNDROME; Dysencephalia splachnocystica. Identifiers: Orphanet 564, MedGen C0265215, MONDO:0018921.

Submission:

Labcorp Genetics (formerly Invitae), Labcorp
Classification: Pathogenic for Joubert syndrome; Meckel-Gruber syndrome. Last evaluated: 2023-11-10. Review status: criteria provided, single submitter. Criteria: Invitae Variant Classification Sherloc (09022015). Collection method: clinical testing. Allele origin: germline.
Comment: This sequence change creates a premature translational stop signal (p.Phe690Serfs*25) in the TMEM67 gene. It is expected to result in an absent or disrupted protein product. Loss-of-function variants in TMEM67 are known to be pathogenic (PMID: 20232449, 23559409). This variant is not present in population databases (gnomAD no frequency). This variant has not been reported in the literature in individuals affected with TMEM67-related conditions. For these reasons, this variant has been classified as Pathogenic.

Literature cited by the submitters: PubMed 20232449; PubMed 23559409.

NM_153704.6(TMEM67):c.2069_2070del (p.Phe690fs)

Gene: TMEM67 (transmembrane protein 67; plus strand). Cytogenetic location: 8q22.1.
Variant type: Deletion.
Coding change: c.2069_2070del on transcript NM_153704.6 (MANE Select); coding-DNA positions 2069 to 2070, 2 bases deleted (TT; older notation c.2069_2070delTT).
Protein change: p.Phe690fs; shifts the reading frame from phenylalanine 690.
Molecular consequence: frameshift variant. On other transcripts: non-coding transcript variant (1).
Genome position (GRCh38, 1-based): chr8:93,797,439-93,797,440, TT deleted; deleting any 2 consecutive bases within chr8:93,797,438-93,797,440 gives the same sequence; the c. name uses the placement nearest the transcript's 3' end. VCF-style (leftmost placement, unchanged base first): chr8-93797437-CTT-C. GRCh37 (hg19) VCF-style: chr8-94809665-CTT-C.
Other names: c.1826_1827del, p.Phe609fs (NM_001142301.1); short protein forms F609fs, F690fs.
Identifiers: ClinVar variation 2953738 (VCV002953738.3), dbSNP rs1184169158, ClinGen allele CA857044377.